The following is an entry in ClinVar:

NM_000389.5(CDKN1A):c.350G>A (p.Cys117Tyr)

Gene: CDKN1A (cyclin dependent kinase inhibitor 1A; plus strand). Cytogenetic location: 6p21.2.
Variant type: single nucleotide variant.
Coding change: c.350G>A on transcript NM_000389.5 (MANE Select); coding-DNA position 350, G replaced by A.
Protein change: p.Cys117Tyr; replaces cysteine 117 with tyrosine.
Molecular consequence: missense variant.
Genome position (GRCh38, 1-based): chr6:36,684,451, G>A. VCF-style: chr6-36684451-G-A. GRCh37 (hg19) VCF-style: chr6-36652228-G-A.
Other names: c.350G>A, p.Cys117Tyr (NM_001220777.2, NM_001220778.2, NM_001374511.1 and 3 more transcripts); c.452G>A, p.Cys151Tyr (NM_001291549.3, NM_001374509.1); c.389G>A, p.Cys130Tyr (NM_001374510.1); short protein forms C117Y, C151Y, C130Y.
Identifiers: ClinVar variation 430358 (VCV000430358.36), dbSNP rs148679597, ClinGen allele CA3780389.

ClinVar aggregate classification (germline): Conflicting classifications of pathogenicity. Review status: criteria provided, conflicting classifications (1 of 4 stars). 6 submissions from 6 submitters: Uncertain significance (2); Likely benign (1). 3 of the submissions do not count toward it. Last evaluated 2026-09-26.

Allele frequency attached by ClinVar (database versions not stated): 1000 Genomes Project 0.00020; 1000 Genomes Project 30x 0.00031; ExAC 0.00182; TOPMed 0.00185; gnomAD 0.00190 and 0.00196; gnomAD exomes 0.00192 and 0.00351; ESP Exome Variant Server 0.00254.

Submissions (6):

GeneDx
Classification: Uncertain significance. Last evaluated: 2026-09-26. Review status: criteria provided, single submitter. Criteria: GeneDx Variant Classification Process June 2021. Collection method: clinical testing. Allele origin: germline.
Comment: In silico analysis supports that this missense variant has a deleterious effect on protein structure/function; Variants in candidate genes are classified as variants of uncertain significance in accordance with ACMG guidelines (PMID: 25741868); This variant is associated with the following publications: (PMID: 14981901, 25587027, 23715670, 32430905)

CeGaT Center for Human Genetics Tuebingen
Classification: Likely benign. Last evaluated: 2026-07-01. Review status: criteria provided, single submitter. Criteria: CeGaT Center For Human Genetics Tuebingen Variant Classification Criteria Version 2. Collection method: clinical testing. Allele origin: germline. Affected: yes. Observed: 19 variant alleles.
Comment: CDKN1A: BS3:Supporting, BS1

Breakthrough Genomics
Classification: Uncertain significance. Review status: criteria provided, single submitter. Criteria: ACMG Guidelines, 2015. Collection method: not provided. Allele origin: germline. Inheritance: Unknown mechanism. Affected: yes.

Clinical Genetics DNA and cytogenetics Diagnostics Lab, Erasmus MC, Erasmus Medical Center
Classification: Uncertain significance. Review status: no assertion criteria provided. Collection method: clinical testing. Allele origin: germline. Affected: yes. Study: VKGL Data-share Consensus. Not counted in ClinVar's aggregate classification.

Genome Diagnostics Laboratory, Amsterdam University Medical Center
Classification: Uncertain significance. Review status: no assertion criteria provided. Collection method: clinical testing. Allele origin: germline. Affected: yes. Study: VKGL Data-share Consensus. Not counted in ClinVar's aggregate classification.

Laboratory of Diagnostic Genome Analysis, Leiden University Medical Center (LUMC)
Classification: Uncertain significance. Review status: no assertion criteria provided. Collection method: clinical testing. Allele origin: germline. Affected: yes. Study: VKGL Data-share Consensus. Not counted in ClinVar's aggregate classification.